The following is an entry in ClinVar:

ClinVar aggregate classification (germline): Likely pathogenic (1 of 4 stars; one submission).

Conditions:
Otofaciocervical syndrome 1 (OTFCS). Identifiers: MedGen C3714941, MONDO:0024532, OMIM 166780.
Branchiootic syndrome 1 (BOS1). Also called: BO SYNDROME 1; BRANCHIOOTIC DYSPLASIA. Identifiers: MedGen C1865143, MONDO:0011258, OMIM 602588.
Branchiootorenal syndrome 1. Also called: Branchio-Oto-Renal Syndrome 1. Identifiers: Orphanet 107, MedGen C4551702, MONDO:0007236, OMIM 113650.

Submission:

Juno Genomics, Hangzhou Juno Genomics, Inc
Classification: Likely pathogenic for Otofaciocervical syndrome 1; Branchiootic syndrome 1; Branchiootorenal syndrome 1. Review status: criteria provided, single submitter. Criteria: ACMG Guidelines, 2015. Collection method: clinical testing. Allele origin: germline. Affected: yes.
Comment: Absent from controls (or at extremely low frequency if recessive) in Genome Aggregation Database.;Null variant in a gene where loss of function (LOF) is a known mechanism of disease.

NM_000503.6(EYA1):c.639+2T>C

Gene: EYA1 (EYA transcriptional coactivator and phosphatase 1; minus strand). Cytogenetic location: 8q13.3.
Variant type: single nucleotide variant.
Coding change: c.639+2T>C on transcript NM_000503.6 (MANE Select); the canonical splice donor site of the intron after coding-DNA position 639, T replaced by C.
Molecular consequence: splice donor variant.
Genome position (GRCh38, 1-based): chr8:71,299,636, A>G on the plus strand (T>C on the coding strand, the complement: EYA1 is on the minus strand). VCF-style: chr8-71299636-A-G. GRCh37 (hg19) VCF-style: chr8-72211871-A-G.
Other names: c.708+2T>C (NM_001370336.1); c.726+2T>C (NM_001370333.1); c.639+2T>C (NM_001370335.1, NM_001370334.1, NM_172058.4); c.711+2T>C (NM_172059.5); c.540+2T>C (NM_001411797.1, NM_172060.4); c.273+2T>C (NM_001288575.2); c.621+2T>C (NM_001288574.2).
Identifiers: ClinVar variation 5018553 (VCV005018553.1).